The following is an entry in ClinVar:

NM_006739.4(MCM5):c.850_851del (p.Arg284fs)

Gene: MCM5 (minichromosome maintenance complex component 5; plus strand). Cytogenetic location: 22q12.3.
Variant type: Deletion.
Coding change: c.850_851del on transcript NM_006739.4 (MANE Select); coding-DNA positions 850 to 851, 2 bases deleted (AG; older notation c.850_851delAG).
Protein change: p.Arg284fs; shifts the reading frame from arginine 284.
Molecular consequence: frameshift variant.
Genome position (GRCh38, 1-based): chr22:35,410,841-35,410,842, AG deleted. VCF-style (leftmost placement, unchanged base first): chr22-35410840-CAG-C. GRCh37 (hg19) VCF-style: chr22-35806833-CAG-C.
Other names: short protein forms R284fs.
Identifiers: ClinVar variation 430636 (VCV000430636.4), dbSNP rs760621295, ClinGen allele CA10205183.

ClinVar aggregate classification (germline): Uncertain significance. Review status: criteria provided, single submitter (1 of 4 stars). 2 submissions from 2 submitters: Uncertain significance (1). 1 of the submissions does not count toward it. Last evaluated 2024-01-22.

Conditions:
Meier-Gorlin syndrome 8. Identifiers: MedGen C4479655, MONDO:0033046, OMIM 617564.

Allele frequency attached by ClinVar (database versions not stated): ExAC 0.00001; gnomAD exomes 0.00001.

Submissions (2):

Labcorp Genetics (formerly Invitae), Labcorp
Classification: Uncertain significance. Last evaluated: 2024-01-22. Review status: criteria provided, single submitter. Criteria: Invitae Variant Classification Sherloc (09022015). Collection method: clinical testing. Allele origin: germline.
Comment: This sequence change creates a premature translational stop signal (p.Arg284Glyfs*49) in the MCM5 gene. It is expected to result in an absent or disrupted protein product. However, the current clinical and genetic evidence is not sufficient to establish whether loss-of-function variants in MCM5 cause disease. This variant is present in population databases (rs760621295, gnomAD 0.002%). This premature translational stop signal has been observed in individual(s) with Meier-Gorlin syndrome (PMID: 28198391). ClinVar contains an entry for this variant (Variation ID: 430636). In summary, the available evidence is currently insufficient to determine the role of this variant in disease. Therefore, it has been classified as a Variant of Uncertain Significance.

OMIM
Classification: Pathogenic for MEIER-GORLIN SYNDROME 8 (1 patient). Last evaluated: 2017-07-10. Review status: no assertion criteria provided. Collection method: literature only. Allele origin: germline. Not counted in ClinVar's aggregate classification.

Literature cited by the submitters: PubMed 28198391 (cited by Labcorp Genetics (formerly Invitae), Labcorp and OMIM).